The following is an entry in ClinVar:

NM_024570.4(RNASEH2B):c.146C>T (p.Ala49Val)

Gene: RNASEH2B (ribonuclease H2 subunit B; plus strand). Cytogenetic location: 13q14.3.
Variant type: single nucleotide variant.
Coding change: c.146C>T on transcript NM_024570.4 (MANE Select); coding-DNA position 146, C replaced by T.
Protein change: p.Ala49Val; replaces alanine 49 with valine.
Molecular consequence: missense variant.
Genome position (GRCh38, 1-based): chr13:50,929,484, C>T. VCF-style: chr13-50929484-C-T. GRCh37 (hg19) VCF-style: chr13-51503620-C-T.
Other names: c.146C>T, p.Ala49Val (NM_001142279.2); short protein forms A49V.
Identifiers: ClinVar variation 1506922 (VCV001506922.6), dbSNP rs1951648776, ClinGen allele CA388258681.

ClinVar aggregate classification (germline): Uncertain significance (1 of 4 stars; one submission).

Conditions:
Aicardi-Goutieres syndrome 2. Identifiers: Orphanet 51, MedGen C3489724, MONDO:0012429, OMIM 610181.

Allele frequency attached by ClinVar (database versions not stated): TOPMed below 0.00001; gnomAD 0.00001; gnomAD exomes 0.00001.
gnomAD v4.1: 10 of 1,609,648 alleles (0.00062%); highest among the groups gnomAD compares: Non-Finnish European, 0.00085%; no homozygotes.

Submission:

Labcorp Genetics (formerly Invitae), Labcorp
Classification: Uncertain significance for Aicardi-Goutieres syndrome 2. Last evaluated: 2023-07-17. Review status: criteria provided, single submitter. Criteria: Invitae Variant Classification Sherloc (09022015). Collection method: clinical testing. Allele origin: germline.
Comment: ClinVar contains an entry for this variant (Variation ID: 1506922). Advanced modeling of protein sequence and biophysical properties (such as structural, functional, and spatial information, amino acid conservation, physicochemical variation, residue mobility, and thermodynamic stability) has been performed at Invitae for this missense variant, however the output from this modeling did not meet the statistical confidence thresholds required to predict the impact of this variant on RNASEH2B protein function. In summary, the available evidence is currently insufficient to determine the role of this variant in disease. Therefore, it has been classified as a Variant of Uncertain Significance. This sequence change replaces alanine, which is neutral and non-polar, with valine, which is neutral and non-polar, at codon 49 of the RNASEH2B protein (p.Ala49Val). This variant is not present in population databases (gnomAD no frequency). This variant has not been reported in the literature in individuals affected with RNASEH2B-related conditions.